The following is an entry in ClinVar:

NM_000051.4(ATM):c.5574G>A (p.Trp1858Ter)

Gene: ATM (ATM serine/threonine kinase; plus strand). Cytogenetic location: 11q22.3.
Variant type: single nucleotide variant.
Coding change: c.5574G>A on transcript NM_000051.4 (MANE Select); coding-DNA position 5574, G replaced by A.
Protein change: p.Trp1858Ter; replaces tryptophan 1858 with a stop codon.
Molecular consequence: nonsense.
Genome position (GRCh38, 1-based): chr11:108,304,752, G>A. VCF-style: chr11-108304752-G-A. GRCh37 (hg19) VCF-style: chr11-108175479-G-A.
Other names: c.5574G>A, p.Trp1858Ter (NM_001351834.2); short protein forms W1858*.
Identifiers: ClinVar variation 1380184 (VCV001380184.6), dbSNP rs2135944112, ClinGen allele CA382546100.
Genomic context (GRCh38, chr11:108,304,752, plus strand): 5'-TCAGACTGTACTTCCATACTTGATTCATGATATTTTACTCCAAGATACAAATGAATCATG[G>A]AGAAATCTGCTTTCTACACATGTTCAGGGATTTTTCACCAGCTGTCTTCGACACTTCTCG-3'

ClinVar aggregate classification (germline): Pathogenic (1 of 4 stars; one submission).

Conditions:
Ataxia-telangiectasia syndrome (AT). Also called: Ataxia-telangiectasia; LOUIS-BAR SYNDROME; Ataxia-telangiectasia, complementation group D; AT, COMPLEMENTATION GROUP C; ATAXIA-TELANGIECTASIA, COMPLEMENTATION GROUP A; ATAXIA-TELANGIECTASIA, FRESNO VARIANT. Identifiers: Orphanet 100, MedGen C0004135, MONDO:0008840, OMIM 208900.

Submission:

Labcorp Genetics (formerly Invitae), Labcorp
Classification: Pathogenic for Ataxia-telangiectasia syndrome. Last evaluated: 2021-08-31. Review status: criteria provided, single submitter. Criteria: Invitae Variant Classification Sherloc (09022015). Collection method: clinical testing. Allele origin: germline.
Comment: This sequence change creates a premature translational stop signal (p.Trp1858*) in the ATM gene. It is expected to result in an absent or disrupted protein product. Loss-of-function variants in ATM are known to be pathogenic (PMID: 23807571, 25614872). This variant is not present in population databases (ExAC no frequency). This premature translational stop signal has been observed in individual(s) with clinical features of autosomal recessive ATM-related conditions (PMID: 10864201, 12105990). For these reasons, this variant has been classified as Pathogenic.

Literature cited by the submitters: PubMed 23807571; PubMed 25614872; PubMed 10864201; PubMed 12105990.